The following is an entry in ClinVar:

ClinVar aggregate classification (germline): Uncertain significance (1 of 4 stars; one submission).

Conditions:
Kabuki syndrome. Also called: NIIKAWA-KUROKI SYNDROME; Kabuki make-up syndrome. Identifiers: Orphanet 2322, MedGen C0796004, MONDO:0016512.

Submission:

Labcorp Genetics (formerly Invitae), Labcorp
Classification: Uncertain significance for Kabuki syndrome. Last evaluated: 2025-08-29. Review status: criteria provided, single submitter. Criteria: Invitae Variant Classification Sherloc (09022015). Collection method: clinical testing. Allele origin: germline.
Comment: This sequence change replaces valine, which is neutral and non-polar, with methionine, which is neutral and non-polar, at codon 275 of the KMT2D protein (p.Val275Met). This variant is not present in population databases (gnomAD no frequency). This variant has not been reported in the literature in individuals affected with KMT2D-related conditions. Invitae Evidence Modeling of protein sequence and biophysical properties (such as structural, functional, and spatial information, amino acid conservation, physicochemical variation, residue mobility, and thermodynamic stability) indicates that this missense variant is expected to disrupt KMT2D protein function with a positive predictive value of 95%. In summary, the available evidence is currently insufficient to determine the role of this variant in disease. Therefore, it has been classified as a Variant of Uncertain Significance.

NM_003482.4(KMT2D):c.823G>A (p.Val275Met)

Gene: KMT2D (lysine methyltransferase 2D; minus strand). Cytogenetic location: 12q13.12.
Variant type: single nucleotide variant.
Coding change: c.823G>A on transcript NM_003482.4 (MANE Select); coding-DNA position 823, G replaced by A.
Protein change: p.Val275Met; replaces valine 275 with methionine.
Molecular consequence: missense variant.
Genome position (GRCh38, 1-based): chr12:49,053,492, C>T on the plus strand (G>A on the coding strand, the complement: KMT2D is on the minus strand). VCF-style: chr12-49053492-C-T. GRCh37 (hg19) VCF-style: chr12-49447275-C-T.
Other names: short protein forms V275M.
Identifiers: ClinVar variation 4806864 (VCV004806864.1).